The following is an entry in ClinVar:

ClinVar aggregate classification (germline): Uncertain significance (1 of 4 stars; one submission).

Submission:

Labcorp Genetics (formerly Invitae), Labcorp
Classification: Uncertain significance. Last evaluated: 2024-03-25. Review status: criteria provided, single submitter. Criteria: Invitae Variant Classification Sherloc (09022015). Collection method: clinical testing. Allele origin: germline.
Comment: This sequence change falls in intron 14 of the WDR1 gene. It does not directly change the encoded amino acid sequence of the WDR1 protein. It affects a nucleotide within the consensus splice site. This variant is not present in population databases (gnomAD no frequency). This variant has not been reported in the literature in individuals affected with WDR1-related conditions. Variants that disrupt the consensus splice site are a relatively common cause of aberrant splicing (PMID: 17576681, 9536098). Algorithms developed to predict the effect of sequence changes on RNA splicing suggest that this variant may disrupt the consensus splice site. In summary, the available evidence is currently insufficient to determine the role of this variant in disease. Therefore, it has been classified as a Variant of Uncertain Significance.

Literature cited by the submitters: PubMed 17576681; PubMed 9536098.

NM_017491.5(WDR1):c.1714+2T>C

Gene: WDR1 (WD repeat domain 1; minus strand). Cytogenetic location: 4p16.1.
Variant type: single nucleotide variant.
Coding change: c.1714+2T>C on transcript NM_017491.5 (MANE Select); the canonical splice donor site of the intron after coding-DNA position 1714, T replaced by C.
Molecular consequence: splice donor variant.
Genome position (GRCh38, 1-based): chr4:10,077,302, A>G on the plus strand (T>C on the coding strand, the complement: WDR1 is on the minus strand). VCF-style: chr4-10077302-A-G. GRCh37 (hg19) VCF-style: chr4-10078926-A-G.
Other names: c.1294+2T>C (NM_005112.5).
Identifiers: ClinVar variation 3630725 (VCV003630725.2).